The following is an entry in ClinVar:

ClinVar aggregate classification (germline): Uncertain significance (1 of 4 stars; one submission).

Conditions:
Hereditary spastic paraplegia 11. Also called: Spastic Paraplegia 11; SPASTIC PARAPLEGIA, AUTOSOMAL RECESSIVE, COMPLICATED, WITH THIN CORPUS CALLOSUM; SPASTIC PARAPLEGIA, AUTOSOMAL RECESSIVE, WITH MENTAL IMPAIRMENT AND THIN CORPUS CALLOSUM; Spastic paraplegia, mental retardation and thin corpus callosum; Nakamura Osame syndrome; Autosomal recessive hereditary spastic paraplegia, mental impairment, and thin corpus callosum. Identifiers: Orphanet 2822, MedGen C1858479, MONDO:0011445, OMIM 604360.

Submission:

Labcorp Genetics (formerly Invitae), Labcorp
Classification: Uncertain significance for Hereditary spastic paraplegia 11. Last evaluated: 2022-07-26. Review status: criteria provided, single submitter. Criteria: Invitae Variant Classification Sherloc (09022015). Collection method: clinical testing. Allele origin: germline.
Comment: This variant results in a copy number gain of the genomic region encompassing exon(s) 1-19 of the SPG11 gene. This region includes the initiator codon of the gene. This copy number gain extends beyond the assayed region for this gene and therefore may encompass additional genes. As the precise location of this event is unknown, it may be in tandem or it may be located elsewhere in the genome. This variant has not been reported in the literature in individuals affected with SPG11-related conditions. Experimental studies and prediction algorithms are not available or were not evaluated, and the functional significance of this variant is currently unknown. In summary, the available evidence is currently insufficient to determine the role of this variant in disease. Therefore, it has been classified as a Variant of Uncertain Significance.

NC_000015.9:g.(?_44900622)_(44955865_?)dup

Genes: SPG11 (SPG11 vesicle trafficking associated, spatacsin; minus strand), LOC130056974 (ATAC-STARR-seq lymphoblastoid active region 9342; plus strand). Cytogenetic location: 15q21.1.
Variant type: Duplication.
Identifiers: ClinVar variation 652954 (VCV000652954.9).